The following is an entry in ClinVar:

NM_001166114.2(PNPLA6):c.2170C>A (p.Arg724Ser)

Gene: PNPLA6 (patatin like domain 6, lysophospholipase; plus strand). Cytogenetic location: 19p13.2.
Variant type: single nucleotide variant.
Coding change: c.2170C>A on transcript NM_001166114.2 (MANE Select); coding-DNA position 2170, C replaced by A.
Protein change: p.Arg724Ser; replaces arginine 724 with serine.
Molecular consequence: missense variant.
Genome position (GRCh38, 1-based): chr19:7,551,093, C>A. VCF-style: chr19-7551093-C-A. GRCh37 (hg19) VCF-style: chr19-7615979-C-A.
Other names: c.2197C>A, p.Arg733Ser (NM_001166111.2); c.1975C>A, p.Arg659Ser (NM_001166112.2); c.2053C>A, p.Arg685Ser (NM_001166113.1, NM_006702.5); short protein forms R724S, R659S, R685S, R733S.
Identifiers: ClinVar variation 1500736 (VCV001500736.6), dbSNP rs2146090101, ClinGen allele CA403124781.

ClinVar aggregate classification (germline): Uncertain significance (1 of 4 stars; one submission).

Conditions:
Hereditary spastic paraplegia 39 (SPG39). Also called: Spastic Paraplegia Type 39 (SPG39); SPASTIC PARAPLEGIA 39, AUTOSOMAL RECESSIVE. Identifiers: Orphanet 139480, MedGen C2677586, MONDO:0012787, OMIM 612020.

Submission:

Labcorp Genetics (formerly Invitae), Labcorp
Classification: Uncertain significance for Hereditary spastic paraplegia 39. Last evaluated: 2022-07-19. Review status: criteria provided, single submitter. Criteria: Invitae Variant Classification Sherloc (09022015). Collection method: clinical testing. Allele origin: germline.
Comment: This sequence change replaces arginine, which is basic and polar, with serine, which is neutral and polar, at codon 685 of the PNPLA6 protein (p.Arg685Ser). In summary, the available evidence is currently insufficient to determine the role of this variant in disease. Therefore, it has been classified as a Variant of Uncertain Significance. Algorithms developed to predict the effect of sequence changes on RNA splicing suggest that this variant may create or strengthen a splice site. Algorithms developed to predict the effect of missense changes on protein structure and function are either unavailable or do not agree on the potential impact of this missense change (SIFT: "Deleterious"; PolyPhen-2: "Benign"; Align-GVGD: "Class C15"). ClinVar contains an entry for this variant (Variation ID: 1500736). This variant has not been reported in the literature in individuals affected with PNPLA6-related conditions. This variant is not present in population databases (gnomAD no frequency).